The following is an entry in ClinVar:

NM_006415.4(SPTLC1):c.165+19_165+20del

Gene: SPTLC1 (serine palmitoyltransferase long chain base subunit 1; minus strand). Cytogenetic location: 9q22.31.
Variant type: Deletion.
Coding change: c.165+19_165+20del on transcript NM_006415.4 (MANE Select); bases 19 to 20 of the intron after coding-DNA position 165, 2 bases deleted (GT; older notation c.165+19_165+20delGT).
Molecular consequence: intron variant.
Genome position (GRCh38, 1-based): chr9:92,112,435-92,112,436, AC deleted on the plus strand (GT on the coding strand, the reverse complement: SPTLC1 is on the minus strand); deleting any 2 consecutive bases within chr9:92,112,435-92,112,437 gives the same sequence; the c. name uses the placement nearest the transcript's 3' end. VCF-style (leftmost placement, unchanged base first): chr9-92112434-AAC-A. GRCh37 (hg19) VCF-style: chr9-94874716-AAC-A.
Other names: c.165+19_165+20del (NM_001281303.2, NM_178324.3, LRG_272t1); c.-335+19_-335+20del (NM_001368272.1); c.-301+19_-301+20del (NM_001368273.1); c.165+19_165+20delGT (NM_006415.2).
Identifiers: ClinVar variation 420363 (VCV000420363.1), dbSNP rs1064794434, ClinGen allele CA16618865.

ClinVar aggregate classification (germline): Likely benign (1 of 4 stars; one submission).

Submission:

GeneDx
Classification: Likely benign. Last evaluated: 2016-03-01. Review status: criteria provided, single submitter. Criteria: GeneDx Variant Classification (06012015). Collection method: clinical testing. Allele origin: germline. Affected: yes.
Comment: This variant is considered likely benign or benign based on one or more of the following criteria: it is a conservative change, it occurs at a poorly conserved position in the protein, it is predicted to be benign by multiple in silico algorithms, and/or has population frequency not consistent with disease.